The following is an entry in ClinVar:

ClinVar aggregate classification (germline): Likely benign (1 of 4 stars; one submission).

Allele frequency attached by ClinVar (database versions not stated): gnomAD 0.00081.

Submission:

CeGaT Center for Human Genetics Tuebingen
Classification: Likely benign. Last evaluated: 2022-11-01. Review status: criteria provided, single submitter. Criteria: CeGaT Center For Human Genetics Tuebingen Variant Classification Criteria Version 2. Collection method: clinical testing. Allele origin: germline. Affected: yes. Observed: 2 variant alleles.
Comment: PRG4: BP4, BP7

NM_005807.6(PRG4):c.1935T>A (p.Pro645=)

Gene: PRG4 (proteoglycan 4; plus strand). Cytogenetic location: 1q31.1.
Variant type: single nucleotide variant.
Coding change: c.1935T>A on transcript NM_005807.6 (MANE Select); coding-DNA position 1935, T replaced by A.
Protein change: p.Pro645=; no amino-acid change (proline 645 retained).
Molecular consequence: synonymous variant.
Genome position (GRCh38, 1-based): chr1:186,307,654, T>A. VCF-style: chr1-186307654-T-A. GRCh37 (hg19) VCF-style: chr1-186276786-T-A.
Other names: c.1812T>A, p.Pro604= (NM_001127708.3); c.1656T>A, p.Pro552= (NM_001127709.3); c.1533T>A, p.Pro511= (NM_001127710.3); c.1806T>A, p.Pro602= (NM_001303232.2).
Identifiers: ClinVar variation 2639657 (VCV002639657.24), dbSNP rs1484697180, ClinGen allele CA422515863.
Genomic context (GRCh38, chr1:186,307,654, plus strand): 5'-GCCCACCACCCCCGAGAAGCTCGCACCCACCACCCCTGAGAAGCCCGCACCCACCACCCC[T>A]GAGGAGCTCGCACCCACCACCCCTGAGGAGCCCACACCCACCACCCCTGAGGAGCCTGCT-3'
Protein context (NP_005798.3, residues 635-655): TTPEKPAPTT[Pro645=]EELAPTTPEE